The following is an entry in ClinVar:

ClinVar aggregate classification (germline): Benign. Review status: criteria provided, multiple submitters, no conflicts (2 of 4 stars). 4 submissions from 4 submitters: Benign (4). Last evaluated 2026-02-02.

Conditions:
Jalili syndrome. Also called: CONE-ROD DYSTROPHY AND AMELOGENESIS IMPERFECTA. Identifiers: Orphanet 1873, MedGen C3495589, MONDO:0009007, OMIM 217080.

Allele frequency attached by ClinVar (database versions not stated): 1000 Genomes Project 30x 0.01187; 1000 Genomes Project 0.01218; ESP Exome Variant Server 0.01419; TOPMed 0.01509; gnomAD 0.01520 and 0.01541; ExAC 0.01557; gnomAD exomes 0.01675 and 0.02213.
gnomAD v4.1: 33,156 of 1,550,670 alleles (2.1%); highest among the groups gnomAD compares: Admixed American, 2.5%; 449 homozygotes.

Submissions (4):

Labcorp Genetics (formerly Invitae), Labcorp
Classification: Benign. Last evaluated: 2026-02-02. Review status: criteria provided, single submitter. Criteria: Invitae Variant Classification Sherloc (09022015). Collection method: clinical testing. Allele origin: germline.

Illumina Laboratory Services, Illumina
Classification: Benign for Jalili syndrome. Last evaluated: 2018-01-13. Review status: criteria provided, single submitter. Criteria: ICSL Variant Classification Criteria 13 December 2019. Collection method: clinical testing. Allele origin: germline.
Comment: This variant was observed in the ICSL laboratory as part of a predisposition screen in an ostensibly healthy population. It had not been previously curated by ICSL or reported in the Human Gene Mutation Database (HGMD: prior to June 1st, 2018), and was therefore a candidate for classification through an automated scoring system. Utilizing variant allele frequency, disease prevalence and penetrance estimates, and inheritance mode, an automated score was calculated to assess if this variant is too frequent to cause the disease. Based on the score and internal cut-off values, a variant classified as benign is not then subjected to further curation. The score for this variant resulted in a classification of benign for this disease.

Breakthrough Genomics
Classification: Benign. Review status: criteria provided, single submitter. Criteria: ACMG Guidelines, 2015. Collection method: not provided. Allele origin: germline. Inheritance: Autosomal recessive inheritance. Affected: yes.

PreventionGenetics, part of Exact Sciences
Classification: Benign. Review status: criteria provided, single submitter. Criteria: ACMG Guidelines, 2015. Collection method: clinical testing. Allele origin: germline.

NM_020184.4(CNNM4):c.1947C>T (p.Ser649=)

Gene: CNNM4 (cyclin and CBS domain divalent metal cation transport mediator 4; plus strand). Cytogenetic location: 2q11.2.
Variant type: single nucleotide variant.
Coding change: c.1947C>T on transcript NM_020184.4 (MANE Select); coding-DNA position 1947, C replaced by T.
Protein change: p.Ser649=; no amino-acid change (serine 649 retained).
Molecular consequence: synonymous variant.
Genome position (GRCh38, 1-based): chr2:96,799,647, C>T. VCF-style: chr2-96799647-C-T. GRCh37 (hg19) VCF-style: chr2-97465384-C-T.
Identifiers: ClinVar variation 261212 (VCV000261212.15), dbSNP rs41286594, ClinGen allele CA1783515.